The following is an entry in ClinVar:

NM_175875.5(SIX5):c.470A>G (p.His157Arg)

Genes: DM1-AS (DM1 locus antisense RNA; plus strand), SIX5 (SIX homeobox 5; minus strand), LOC107075317 (origin of replication in DMPK trinucleotide repeat region; plus strand). Cytogenetic location: 19q13.32.
Variant type: single nucleotide variant.
Coding change: c.470A>G on transcript NM_175875.5 (MANE Select); coding-DNA position 470, A replaced by G.
Protein change: p.His157Arg; replaces histidine 157 with arginine.
Molecular consequence: missense variant.
Genome position (GRCh38, 1-based): chr19:45,768,375, T>C on the plus strand (A>G on the coding strand, the complement: SIX5 is on the minus strand). VCF-style: chr19-45768375-T-C. GRCh37 (hg19) VCF-style: chr19-46271633-T-C.
Other names: short protein forms H157R.
Identifiers: ClinVar variation 2631036 (VCV002631036.1), dbSNP rs2513604825, ClinGen allele CA406423559.

ClinVar aggregate classification (germline): Uncertain significance (1 of 4 stars; one submission).

Conditions:
SIX5-related disorder. Also called: SIX5-related condition.

Submission:

PreventionGenetics, part of Exact Sciences
Classification: Uncertain significance for SIX5-related condition. Last evaluated: 2023-08-23. Review status: criteria provided, single submitter. Criteria: ACMG Guidelines, 2015. Collection method: clinical testing. Allele origin: germline.
Comment: The SIX5 c.470A>G variant is predicted to result in the amino acid substitution p.His157Arg. To our knowledge, this variant has not been reported in the literature or in a large population database, indicating this variant is rare. At this time, the clinical significance of this variant is uncertain due to the absence of conclusive functional and genetic evidence.